The following is an entry in ClinVar:

NM_005585.5(SMAD6):c.637C>G (p.Leu213Val)

Gene: SMAD6 (SMAD family member 6; plus strand). Cytogenetic location: 15q22.31.
Variant type: single nucleotide variant.
Coding change: c.637C>G on transcript NM_005585.5 (MANE Select); coding-DNA position 637, C replaced by G.
Protein change: p.Leu213Val; replaces leucine 213 with valine.
Molecular consequence: missense variant. On other transcripts: non-coding transcript variant (1).
Genome position (GRCh38, 1-based): chr15:66,703,895, C>G. VCF-style: chr15-66703895-C-G. GRCh37 (hg19) VCF-style: chr15-66996233-C-G.
Other names: short protein forms L213V.
Identifiers: ClinVar variation 1904671 (VCV001904671.5), dbSNP rs1446972501, ClinGen allele CA392949943.

ClinVar aggregate classification (germline): Uncertain significance (1 of 4 stars; one submission).

Conditions:
Aortic valve disease 2 (AOVD2). Identifiers: MedGen C3542024, MONDO:0013902, OMIM 614823.

Allele frequency attached by ClinVar (database versions not stated): gnomAD exomes 0.00001.
gnomAD v4.1: 9 of 1,298,196 alleles (0.00069%); highest among the groups gnomAD compares: Non-Finnish European, 0.00068%; no homozygotes.

Submission:

Labcorp Genetics (formerly Invitae), Labcorp
Classification: Uncertain significance for Aortic valve disease 2. Last evaluated: 2023-07-13. Review status: criteria provided, single submitter. Criteria: Invitae Variant Classification Sherloc (09022015). Collection method: clinical testing. Allele origin: germline.
Comment: In summary, the available evidence is currently insufficient to determine the role of this variant in disease. Therefore, it has been classified as a Variant of Uncertain Significance. This sequence change replaces leucine, which is neutral and non-polar, with valine, which is neutral and non-polar, at codon 213 of the SMAD6 protein (p.Leu213Val). This variant is not present in population databases (gnomAD no frequency). This variant has not been reported in the literature in individuals affected with SMAD6-related conditions. ClinVar contains an entry for this variant (Variation ID: 1904671). Advanced modeling of protein sequence and biophysical properties (such as structural, functional, and spatial information, amino acid conservation, physicochemical variation, residue mobility, and thermodynamic stability) performed at Invitae indicates that this missense variant is not expected to disrupt SMAD6 protein function.